The following is an entry in ClinVar:

NM_001277115.2(DNAH11):c.10399G>A (p.Ala3467Thr)

Gene: DNAH11 (dynein axonemal heavy chain 11; plus strand). Cytogenetic location: 7p15.3.
Variant type: single nucleotide variant.
Coding change: c.10399G>A on transcript NM_001277115.2 (MANE Select); coding-DNA position 10399, G replaced by A.
Protein change: p.Ala3467Thr; replaces alanine 3467 with threonine.
Molecular consequence: missense variant.
Genome position (GRCh38, 1-based): chr7:21,816,533, G>A. VCF-style: chr7-21816533-G-A. GRCh37 (hg19) VCF-style: chr7-21856151-G-A.
Other names: short protein forms A3467T.
Identifiers: ClinVar variation 178732 (VCV000178732.33), dbSNP rs2214326, ClinGen allele CA182902.

ClinVar aggregate classification (germline): Benign/Likely benign. Review status: criteria provided, multiple submitters, no conflicts (2 of 4 stars). 10 submissions from 10 submitters: Benign (7); Likely benign (1). 2 of the submissions do not count toward it. Last evaluated 2026-02-04.

Conditions:
Primary ciliary dyskinesia 7. Also called: CILIARY DYSKINESIA, PRIMARY, 7, WITH OR WITHOUT SITUS INVERSUS. Identifiers: Orphanet 244, MedGen C2678473, MONDO:0012748, OMIM 611884.
Primary ciliary dyskinesia. Also called: Ciliary dyskinesia. Identifiers: Orphanet 244, MedGen C0008780, MONDO:0016575, HP:0012265.

Allele frequency attached by ClinVar (database versions not stated): ESP Exome Variant Server 0.34773; gnomAD 0.38066; TOPMed 0.39852; ExAC 0.42975; 1000 Genomes Project 30x 0.47767; 1000 Genomes Project 0.48423.
gnomAD v4.1: 589,117 of 1,611,438 alleles (37%); highest among the groups gnomAD compares: East Asian, 82%; 114,914 homozygotes.

Submissions (10):

Labcorp Genetics (formerly Invitae), Labcorp
Classification: Benign for Primary ciliary dyskinesia. Last evaluated: 2026-02-04. Review status: criteria provided, single submitter. Criteria: Invitae Variant Classification Sherloc (09022015). Collection method: clinical testing. Allele origin: germline.

Blueprint Genetics
Classification: Likely benign. Last evaluated: 2024-11-27. Review status: criteria provided, single submitter. Criteria: ACMG Guidelines, 2015. Collection method: clinical testing. Allele origin: germline.

Mayo Clinic Laboratories, Mayo Clinic
Classification: Benign. Last evaluated: 2022-04-26. Review status: criteria provided, single submitter. Criteria: ACMG Guidelines, 2015. Collection method: clinical testing. Allele origin: germline. Observed: 119 variant alleles.

Genome-Nilou Lab
Classification: Benign for Primary ciliary dyskinesia 7. Last evaluated: 2021-07-30. Review status: criteria provided, single submitter. Criteria: ACMG Guidelines, 2015. Collection method: clinical testing. Allele origin: germline. Affected: no.

GeneDx
Classification: Benign. Last evaluated: 2018-11-10. Review status: criteria provided, single submitter. Criteria: GeneDx Variant Classification Process June 2021. Collection method: clinical testing. Allele origin: germline. Affected: yes.

Eurofins Ntd Llc (ga)
Classification: Benign. Last evaluated: 2014-07-18. Review status: criteria provided, single submitter. Criteria: EGL Classification Definitions 2015. Collection method: clinical testing. Allele origin: germline. Observed: 1 variant allele, 1 homozygote.

Laboratory for Molecular Medicine, Mass General Brigham Personalized Medicine
Classification: Benign. Last evaluated: 2013-02-21. Review status: criteria provided, single submitter. Criteria: LMM Criteria. Collection method: clinical testing. Allele origin: germline. Observed: 76 variant alleles.
Comment: Ala3467Thr in exon 64 of DNAH11: This variant is not expected to have clinical s ignificance because it has been identified in 38.5% (1532/3984) of African Ameri can chromosomes from a broad population by the NHLBI Exome Sequencing Project (dbSNP rs2214326).

PreventionGenetics, part of Exact Sciences
Classification: Benign. Review status: criteria provided, single submitter. Criteria: ACMG Guidelines, 2015. Collection method: clinical testing. Allele origin: germline.

Clinical Genetics DNA and cytogenetics Diagnostics Lab, Erasmus MC, Erasmus Medical Center
Classification: Benign. Review status: no assertion criteria provided. Collection method: clinical testing. Allele origin: germline. Affected: yes. Study: VKGL Data-share Consensus. Not counted in ClinVar's aggregate classification.

Diagnostic Laboratory, Department of Genetics, University Medical Center Groningen
Classification: Benign. Review status: no assertion criteria provided. Collection method: clinical testing. Allele origin: germline. Affected: yes. Study: VKGL Data-share Consensus. Not counted in ClinVar's aggregate classification.